The following is an entry in ClinVar:

NM_006420.3(ARFGEF2):c.4712C>T (p.Ala1571Val)

Gene: ARFGEF2 (ARF guanine nucleotide exchange factor 2; plus strand). Cytogenetic location: 20q13.13.
Variant type: single nucleotide variant.
Coding change: c.4712C>T on transcript NM_006420.3 (MANE Select); coding-DNA position 4712, C replaced by T.
Protein change: p.Ala1571Val; replaces alanine 1571 with valine.
Molecular consequence: missense variant.
Genome position (GRCh38, 1-based): chr20:49,023,138, C>T. VCF-style: chr20-49023138-C-T. GRCh37 (hg19) VCF-style: chr20-47639675-C-T.
Other names: c.4709C>T, p.Ala1570Val (NM_001410846.1); short protein forms A1571V, A1570V.
Identifiers: ClinVar variation 2047626 (VCV002047626.1), dbSNP rs369538378, ClinGen allele CA9899293.

ClinVar aggregate classification (germline): Uncertain significance (1 of 4 stars; one submission).

Allele frequency attached by ClinVar (database versions not stated): ExAC 0.00001; gnomAD exomes 0.00001; TOPMed 0.00002; gnomAD 0.00003; ESP Exome Variant Server 0.00008.
gnomAD v4.1: 16 of 1,613,982 alleles (0.00099%); highest among the groups gnomAD compares: East Asian, 0.0022%; no homozygotes.

Submission:

Labcorp Genetics (formerly Invitae), Labcorp
Classification: Uncertain significance. Last evaluated: 2022-08-02. Review status: criteria provided, single submitter. Criteria: Invitae Variant Classification Sherloc (09022015). Collection method: clinical testing. Allele origin: germline.
Comment: This sequence change replaces alanine, which is neutral and non-polar, with valine, which is neutral and non-polar, at codon 1571 of the ARFGEF2 protein (p.Ala1571Val). This variant is present in population databases (rs369538378, gnomAD 0.0009%). This variant has not been reported in the literature in individuals affected with ARFGEF2-related conditions. Algorithms developed to predict the effect of missense changes on protein structure and function (SIFT, PolyPhen-2, Align-GVGD) all suggest that this variant is likely to be tolerated. In summary, the available evidence is currently insufficient to determine the role of this variant in disease. Therefore, it has been classified as a Variant of Uncertain Significance.